The following is an entry in ClinVar:

NM_018206.6(VPS35):c.1895T>C (p.Ile632Thr)

Gene: VPS35 (VPS35 retromer complex component; minus strand). Cytogenetic location: 16q11.2.
Variant type: single nucleotide variant.
Coding change: c.1895T>C on transcript NM_018206.6 (MANE Select); coding-DNA position 1895, T replaced by C.
Protein change: p.Ile632Thr; replaces isoleucine 632 with threonine.
Molecular consequence: missense variant.
Genome position (GRCh38, 1-based): chr16:46,662,415, A>G on the plus strand (T>C on the coding strand, the complement: VPS35 is on the minus strand). VCF-style: chr16-46662415-A-G. GRCh37 (hg19) VCF-style: chr16-46696327-A-G.
Other names: short protein forms I632T.
Identifiers: ClinVar variation 1021992 (VCV001021992.9), dbSNP rs756550058, ClinGen allele CA280205708.

ClinVar aggregate classification (germline): Uncertain significance (1 of 4 stars; one submission).

Conditions:
Parkinson disease 17 (PARK17). Also called: VPS35-Related Parkinson Disease. Identifiers: Orphanet 411602, MedGen C3280133, MONDO:0013625, OMIM 614203.

Allele frequency attached by ClinVar (database versions not stated): gnomAD exomes below 0.00001; gnomAD 0.00001; TOPMed 0.00001.

Submission:

Labcorp Genetics (formerly Invitae), Labcorp
Classification: Uncertain significance for Parkinson disease 17. Last evaluated: 2020-01-08. Review status: criteria provided, single submitter. Criteria: Invitae Variant Classification Sherloc (09022015). Collection method: clinical testing. Allele origin: germline.
Comment: This sequence change replaces isoleucine with threonine at codon 632 of the VPS35 protein (p.Ile632Thr). The isoleucine residue is moderately conserved and there is a moderate physicochemical difference between isoleucine and threonine. In summary, the available evidence is currently insufficient to determine the role of this variant in disease. Therefore, it has been classified as a Variant of Uncertain Significance. Algorithms developed to predict the effect of missense changes on protein structure and function (SIFT, PolyPhen-2, Align-GVGD) all suggest that this variant is likely to be tolerated, but these predictions have not been confirmed by published functional studies and their clinical significance is uncertain. This variant has not been reported in the literature in individuals with VPS35-related conditions. This variant is not present in population databases (ExAC no frequency).